The following is an entry in ClinVar:

NM_000059.4(BRCA2):c.2729A>G (p.His910Arg)

Gene: BRCA2 (BRCA2 DNA repair associated; plus strand). Cytogenetic location: 13q13.1.
Variant type: single nucleotide variant.
Coding change: c.2729A>G on transcript NM_000059.4 (MANE Select); coding-DNA position 2729, A replaced by G.
Protein change: p.His910Arg; replaces histidine 910 with arginine.
Molecular consequence: missense variant.
Genome position (GRCh38, 1-based): chr13:32,337,084, A>G. VCF-style: chr13-32337084-A-G. GRCh37 (hg19) VCF-style: chr13-32911221-A-G.
Other names: short protein forms H910R.
Identifiers: ClinVar variation 236842 (VCV000236842.23), dbSNP rs760792501, ClinGen allele CA6940625.

ClinVar aggregate classification (germline): Conflicting classifications of pathogenicity. Review status: criteria provided, conflicting classifications (1 of 4 stars). 9 submissions from 9 submitters: Uncertain significance (6); Likely benign (3). Last evaluated 2026-07-21.

Conditions:
Familial colorectal cancer type X. Identifiers: Orphanet 440437, MedGen C3896578, MONDO:0018604.
Familial pancreatic carcinoma. Identifiers: Orphanet 1333, MedGen C2931038, MONDO:0015278, OMIM 260350.
Hereditary cancer-predisposing syndrome. Also called: Hereditary Cancer Syndrome; Tumor predisposition; Hereditary neoplastic syndrome; Neoplastic Syndromes, Hereditary. Identifiers: Orphanet 140162, MedGen C0027672, MeSH D009386, MONDO:0015356.
Hereditary breast ovarian cancer syndrome. Also called: Breast and ovarian cancer; Hereditary breast and ovarian cancer syndrome; BRCA1- and BRCA2-Associated Hereditary Breast and Ovarian Cancer; Hereditary breast and ovarian cancer syndrome (HBOC); Hereditary breast and/or ovarian cancer syndrome; Hereditary breast and ovarian cancer. Identifiers: Orphanet 145, MedGen C0677776, MeSH D061325, MONDO:0003582. Disease mechanism: loss of function.
Breast-ovarian cancer, familial, susceptibility to, 2 (BROVCA2). Also called: BRCA2 Hereditary Breast and Ovarian Cancer. Identifiers: Orphanet 145, MedGen C2675520, MONDO:0012933, OMIM 612555. Disease mechanism: loss of function.

Allele frequency attached by ClinVar (database versions not stated): gnomAD 0.00001; gnomAD exomes 0.00001 and below 0.00001; ExAC 0.00001.
gnomAD v4.1: 3 of 1,611,860 alleles (0.00019%); highest among the groups gnomAD compares: African/African-American, 0.0027%; no homozygotes.

Submissions (9):

Myriad Genetics, Inc.
Classification: Likely benign for Breast-ovarian cancer, familial, susceptibility to, 2. Last evaluated: 2026-07-21. Review status: criteria provided, single submitter. Criteria: Myriad Autosomal Dominant, Autosomal Recessive and X-Linked Classification Criteria (2023). Collection method: clinical testing. Allele origin: unknown.
Comment: This variant is considered likely benign. This variant is strongly associated with less severe personal and family histories of cancer, typical for individuals without pathogenic variants in this gene [PMID: 25085752].

Quest Diagnostics Nichols Institute San Juan Capistrano
Classification: Uncertain significance. Last evaluated: 2025-08-06. Review status: criteria provided, single submitter. Criteria: Quest Diagnostics criteria. Collection method: clinical testing. Allele origin: unknown.
Comment: The BRCA2 c.2729A>G (p.His910Arg) variant has been reported in the published literature in an individual undergoing multigene panel testing (PMID: 31853058 (2020)). Additionally, this variant is reported to be located in a region of the BRCA2 gene that is tolerant to missense changes (PMID: 31911673 (2020)). The frequency of this variant in the general population (Genome Aggregation Database) is uninformative in the assessment of its pathogenicity. Analysis of this variant using bioinformatics tools for the prediction of the effect of amino acid changes on protein structure and function yielded predictions that this variant is benign. Based on the available information, we are unable to determine the clinical significance of this variant.

Labcorp Genetics (formerly Invitae), Labcorp
Classification: Uncertain significance for Hereditary breast ovarian cancer syndrome. Last evaluated: 2025-07-09. Review status: criteria provided, single submitter. Criteria: Invitae Variant Classification Sherloc (09022015). Collection method: clinical testing. Allele origin: germline.
Comment: This sequence change replaces histidine, which is basic and polar, with arginine, which is basic and polar, at codon 910 of the BRCA2 protein (p.His910Arg). This variant is present in population databases (rs760792501, gnomAD 0.007%). This missense change has been observed in individual(s) with breast cancer (PMID: 21520333). ClinVar contains an entry for this variant (Variation ID: 236842). Invitae Evidence Modeling of protein sequence and biophysical properties (such as structural, functional, and spatial information, amino acid conservation, physicochemical variation, residue mobility, and thermodynamic stability) indicates that this missense variant is not expected to disrupt BRCA2 protein function with a negative predictive value of 95%. In summary, the available evidence is currently insufficient to determine the role of this variant in disease. Therefore, it has been classified as a Variant of Uncertain Significance.

Dasa
Classification: Uncertain significance for Breast-ovarian cancer, familial, susceptibility to, 2. Last evaluated: 2025-01-29. Review status: criteria provided, single submitter. Criteria: DASA Assertion Criteria. Collection method: clinical testing. Allele origin: germline.
Comment: NM_000059.4(BRCA2):c.2729A>G (p.His910Arg) is a missense variant that results in the substitution of histidine with arginine. This variant is rare in population databases. The currently available literature and clinical evidence are not sufficient to establish a definitive association between this variant and the reported condition. Therefore, this variant is classified as a variant of uncertain significance.

Ambry Genetics
Classification: Likely benign for Hereditary cancer-predisposing syndrome. Last evaluated: 2024-02-28. Review status: criteria provided, single submitter. Criteria: Ambry Variant Classification Scheme 2023. Collection method: clinical testing. Allele origin: germline.

University of Washington Department of Laboratory Medicine, University of Washington
Classification: Likely benign for Hereditary cancer-predisposing syndrome. Last evaluated: 2023-03-23. Review status: criteria provided, single submitter. Criteria: Dines et al. (Genet Med. 2020). Collection method: curation. Allele origin: germline.
Comment: Missense variant in a coldspot region where missense variants are very unlikely to be pathogenic (PMID:31911673).

BRCA2 exon 11 coldspot. Reclassification based on statistical prior probability.

Women's Health and Genetics/Laboratory Corporation of America, LabCorp
Classification: Uncertain significance. Last evaluated: 2022-08-31. Review status: criteria provided, single submitter. Criteria: LabCorp Variant Classification Summary - May 2015. Collection method: clinical testing. Allele origin: germline.

Department of Pathology and Laboratory Medicine, Sinai Health System
Classification: Uncertain significance for Familial colorectal cancer type X; Familial pancreatic carcinoma. Last evaluated: 2022-06-21. Review status: criteria provided, single submitter. Criteria: ACMG Guidelines, 2015. Collection method: clinical testing. Allele origin: germline. Affected: yes.

Mendelics
Classification: Uncertain significance for Breast-ovarian cancer, familial, susceptibility to, 2. Last evaluated: 2019-05-28. Review status: criteria provided, single submitter. Criteria: Mendelics Assertion Criteria 2017. Collection method: clinical testing. Allele origin: unknown.

Literature cited by the submitters: PubMed 25085752 (cited by Myriad Genetics, Inc.); PubMed 31911673 (cited by Quest Diagnostics Nichols Institute San Juan Capistrano); PubMed 31853058 (cited by Quest Diagnostics Nichols Institute San Juan Capistrano); PubMed 21520333 (cited by Labcorp Genetics (formerly Invitae), Labcorp).